The following is an entry in ClinVar:

ClinVar aggregate classification (germline): Benign/Likely benign. Review status: criteria provided, multiple submitters, no conflicts (2 of 4 stars). 9 submissions from 8 submitters: Benign (2); Likely benign (6). 1 of the submissions does not count toward it. Last evaluated 2026-01-28.

Conditions:
FANCB-related disorder. Also called: FANCB-related condition.
VACTERL association, X-linked, with or without hydrocephalus (VACTERLX). Also called: VACTERL-H, X-LINKED; VACTERL Association with Hydrocephalus, X-linked; X-linked VACTERL-H syndrome; VACTERL ASSOCIATION, X-LINKED. Identifiers: Orphanet 3412, MedGen C2931228, MONDO:0010752, OMIM 314390.
Fanconi anemia (FA). Also called: Fanconi's anemia. Identifiers: Orphanet 84, MedGen C0015625, MeSH D005199, MONDO:0019391.
Fanconi anemia complementation group B (FANCB). Also called: FANCB-Related Fanconi Anemia; FANCONI PANCYTOPENIA, TYPE 2. Identifiers: Orphanet 84, MedGen C1845292, MONDO:0010351, OMIM 300514.

Allele frequency attached by ClinVar (database versions not stated): gnomAD exomes 0.00033 and 0.00030; TOPMed 0.00033; ESP Exome Variant Server 0.00009; ExAC 0.00027; gnomAD 0.00031 and 0.00032.
gnomAD v4.1: 371 of 1,207,512 alleles (0.031%); highest among the groups gnomAD compares: Non-Finnish European, 0.03%; no homozygotes.

Submissions (9):

Labcorp Genetics (formerly Invitae), Labcorp
Classification: Likely benign for Fanconi anemia. Last evaluated: 2026-01-28. Review status: criteria provided, single submitter. Criteria: Invitae Variant Classification Sherloc (09022015). Collection method: clinical testing. Allele origin: germline.

Laboratory of Genetics, Children's Clinical University Hospital Latvia
Classification: Likely benign. Last evaluated: 2025-02-16. Review status: criteria provided, single submitter. Criteria: ACMG Guidelines, 2015. Collection method: clinical testing. Allele origin: germline. Affected: yes.

Blueprint Genetics
Classification: Likely benign. Last evaluated: 2024-11-27. Review status: criteria provided, single submitter. Criteria: ACMG Guidelines, 2015. Collection method: clinical testing. Allele origin: germline.

CeGaT Center for Human Genetics Tuebingen
Classification: Likely benign. Last evaluated: 2024-08-01. Review status: criteria provided, single submitter. Criteria: CeGaT Center For Human Genetics Tuebingen Variant Classification Criteria Version 2. Collection method: clinical testing. Allele origin: germline. Affected: yes. Observed: 3 variant alleles.
Comment: FANCB: BP4, BS2

ARUP Laboratories, Molecular Genetics and Genomics, ARUP Laboratories
Classification: Likely benign for Fanconi anemia complementation group B. Last evaluated: 2024-06-12. Review status: criteria provided, single submitter. Criteria: ARUP Molecular Germline Variant Investigation Process 2024. Collection method: clinical testing. Allele origin: germline.

Sema4
Classification: Likely benign for Fanconi anemia. Last evaluated: 2021-07-16. Review status: criteria provided, single submitter. Criteria: Sema4 Curation Guidelines. Collection method: curation. Allele origin: germline.

Illumina Laboratory Services, Illumina
Classification: Benign for Fanconi anemia complementation group B. Last evaluated: 2018-01-13. Review status: criteria provided, single submitter. Criteria: ICSL Variant Classification Criteria 13 December 2019. Collection method: clinical testing. Allele origin: germline.
Comment: This variant was observed in the ICSL laboratory as part of a predisposition screen in an ostensibly healthy population. It had not been previously curated by ICSL or reported in the Human Gene Mutation Database (HGMD: prior to June 1st, 2018), and was therefore a candidate for classification through an automated scoring system. Utilizing variant allele frequency, disease prevalence and penetrance estimates, and inheritance mode, an automated score was calculated to assess if this variant is too frequent to cause the disease. Based on the score and internal cut-off values, a variant classified as benign is not then subjected to further curation. The score for this variant resulted in a classification of benign for this disease.

Illumina Laboratory Services, Illumina
Classification: Benign for VACTERL association with hydrocephaly, X-linked. Last evaluated: 2018-01-13. Review status: criteria provided, single submitter. Criteria: ICSL Variant Classification Criteria 13 December 2019. Collection method: clinical testing. Allele origin: germline.
Comment: the same text as in the submission from Illumina Laboratory Services, Illumina above.

PreventionGenetics, part of Exact Sciences
Classification: Likely benign for FANCB-related condition. Last evaluated: 2022-02-02. Review status: no assertion criteria provided. Collection method: clinical testing. Allele origin: germline. Not counted in ClinVar's aggregate classification.
Comment: This variant is classified as likely benign based on ACMG/AMP sequence variant interpretation guidelines (Richards et al. 2015 PMID: 25741868, with internal and published modifications).

NM_001018113.3(FANCB):c.2477C>T (p.Thr826Met)

Gene: FANCB (FA complementation group B; minus strand). Cytogenetic location: Xp22.2.
Variant type: single nucleotide variant.
Coding change: c.2477C>T on transcript NM_001018113.3 (MANE Select); coding-DNA position 2477, C replaced by T.
Protein change: p.Thr826Met; replaces threonine 826 with methionine.
Molecular consequence: missense variant.
Genome position (GRCh38, 1-based): chrX:14,843,670, G>A on the plus strand (C>T on the coding strand, the complement: FANCB is on the minus strand). VCF-style: chrX-14843670-G-A. GRCh37 (hg19) VCF-style: chrX-14861792-G-A.
Other names: c.2477C>T, p.Thr826Met (NM_001324162.2, NM_152633.4); c.2477C>T (NM_001018113.2); short protein forms T826M.
Identifiers: ClinVar variation 414827 (VCV000414827.44), dbSNP rs201436396, ClinGen allele CA10352910.